The following is an entry in ClinVar:

ClinVar aggregate classification (germline): Uncertain significance (1 of 4 stars; one submission).

Submission:

GeneDx
Classification: Uncertain significance. Last evaluated: 2023-10-10. Review status: criteria provided, single submitter. Criteria: GeneDx Variant Classification Process June 2021. Collection method: clinical testing. Allele origin: germline. Affected: yes.
Comment: Has not been previously published as pathogenic or benign to our knowledge; Not observed at significant frequency in large population cohorts (gnomAD); In silico analysis supports that this missense variant has a deleterious effect on protein structure/function

NM_001904.4(CTNNB1):c.1820T>C (p.Ile607Thr)

Gene: CTNNB1 (catenin beta 1; plus strand). Cytogenetic location: 3p22.1.
Variant type: single nucleotide variant.
Coding change: c.1820T>C on transcript NM_001904.4 (MANE Select); coding-DNA position 1820, T replaced by C.
Protein change: p.Ile607Thr; replaces isoleucine 607 with threonine.
Molecular consequence: missense variant.
Genome position (GRCh38, 1-based): chr3:41,236,365, T>C. VCF-style: chr3-41236365-T-C. GRCh37 (hg19) VCF-style: chr3-41277856-T-C.
Other names: c.1820T>C, p.Ile607Thr (NM_001098209.2, NM_001098210.2); c.1799T>C, p.Ile600Thr (NM_001330729.2); short protein forms I600T, I607T.
Identifiers: ClinVar variation 3366009 (VCV003366009.1).